The following is an entry in ClinVar:

NM_213649.2(SFXN4):c.325C>T (p.Arg109Ter)

Gene: SFXN4 (sideroflexin 4; minus strand). Cytogenetic location: 10q26.11.
Variant type: single nucleotide variant.
Coding change: c.325C>T on transcript NM_213649.2 (MANE Select); coding-DNA position 325, C replaced by T.
Protein change: p.Arg109Ter; replaces arginine 109 with a stop codon.
Molecular consequence: nonsense. On other transcripts: non-coding transcript variant (1).
Genome position (GRCh38, 1-based): chr10:119,160,924, G>A on the plus strand (C>T on the coding strand, the complement: SFXN4 is on the minus strand). VCF-style: chr10-119160924-G-A. GRCh37 (hg19) VCF-style: chr10-120920436-G-A.
Other names: c.325C>T, p.Arg109Ter (NM_213650.1); short protein forms R109*.
Identifiers: ClinVar variation 2964708 (VCV002964708.4), dbSNP rs147648163, ClinGen allele CA5714623.

ClinVar aggregate classification (germline): Pathogenic/Likely pathogenic. Review status: criteria provided, multiple submitters, no conflicts (2 of 4 stars). 2 submissions from 2 submitters: Pathogenic (1); Likely pathogenic (1). Last evaluated 2025-03-27.

Conditions:
Growth and developmental delay-hypotonia-vision impairment-lactic acidosis syndrome. Also called: Combined oxidative phosphorylation deficiency 18. Identifiers: Orphanet 391348, MedGen C3810001, MONDO:0014261, OMIM 615578.

Allele frequency attached by ClinVar (database versions not stated): gnomAD exomes 0.00005; ESP Exome Variant Server 0.00008; TOPMed 0.00001; ExAC 0.00002; gnomAD 0.00003.
gnomAD v4.1: 81 of 1,613,918 alleles (0.005%); highest among the groups gnomAD compares: Non-Finnish European, 0.0067%; no homozygotes.

Submissions (2):

First Genomix Gene Laboratory, Genetic Diagnostics Department
Classification: Likely pathogenic for Growth and developmental delay-hypotonia-vision impairment-lactic acidosis syndrome. Last evaluated: 2025-03-27. Review status: criteria provided, single submitter. Criteria: ACMG Guidelines, 2015. Collection method: clinical testing. Allele origin: germline. Inheritance: Autosomal recessive inheritance. Affected: no. Observed: 1 variant allele.

Labcorp Genetics (formerly Invitae), Labcorp
Classification: Pathogenic. Last evaluated: 2025-01-23. Review status: criteria provided, single submitter. Criteria: Invitae Variant Classification Sherloc (09022015). Collection method: clinical testing. Allele origin: germline.
Comment: This sequence change creates a premature translational stop signal (p.Arg109*) in the SFXN4 gene. It is expected to result in an absent or disrupted protein product. Loss-of-function variants in SFXN4 are known to be pathogenic (PMID: 24119684). This variant is present in population databases (rs147648163, gnomAD 0.005%). This variant has not been reported in the literature in individuals affected with SFXN4-related conditions. ClinVar contains an entry for this variant (Variation ID: 2964708). For these reasons, this variant has been classified as Pathogenic.

Literature cited by the submitters: PubMed 24119684 (cited by Labcorp Genetics (formerly Invitae), Labcorp).